The following is an entry in ClinVar:

ClinVar aggregate classification (germline): Uncertain significance (1 of 4 stars; one submission).

Conditions:
RPGRIP1L-related disorder. Also called: RPGRIP1L-related disorders; RPGRIP1L-related condition. Identifiers: MedGen CN239416.

gnomAD v4.1: 1 of 1,613,156 alleles (0.000062%); highest among the groups gnomAD compares: Non-Finnish European, 0.000085%; no homozygotes.

Submission:

PreventionGenetics, part of Exact Sciences
Classification: Uncertain significance for RPGRIP1L-related condition. Last evaluated: 2026-07-06. Review status: criteria provided, single submitter. Criteria: ACMG Guidelines, 2015. Collection method: clinical testing. Allele origin: germline.
Comment: The RPGRIP1L c.13A>G variant is predicted to result in the amino acid substitution p.Thr5Ala. To our knowledge, this variant has not been reported in the literature or in a large population database (gnomAD), indicating this variant is rare. At this time, the clinical significance of this variant is uncertain due to the absence of conclusive functional and genetic evidence.

NM_015272.5(RPGRIP1L):c.13A>G (p.Thr5Ala)

Gene: RPGRIP1L (RPGRIP1 like; minus strand). Cytogenetic location: 16q12.2.
Variant type: single nucleotide variant.
Coding change: c.13A>G on transcript NM_015272.5 (MANE Select); coding-DNA position 13, A replaced by G.
Protein change: p.Thr5Ala; replaces threonine 5 with alanine.
Molecular consequence: missense variant.
Genome position (GRCh38, 1-based): chr16:53,700,711, T>C on the plus strand (A>G on the coding strand, the complement: RPGRIP1L is on the minus strand). VCF-style: chr16-53700711-T-C. GRCh37 (hg19) VCF-style: chr16-53734623-T-C.
Other names: c.13A>G, p.Thr5Ala (NM_001127897.4, NM_001308334.3, NM_001328422.2 and 2 more transcripts); short protein forms T5A.
Identifiers: ClinVar variation 4984493 (VCV004984493.1).
Genomic context (GRCh38, chr16:53,700,711, plus strand): 5'-CCATTCCAAAGAGGTTTAGACCTGTATCTTTCACAGGCAAGTCTCCTGCAGTCTCATCAG[T>C]TGGACCAGACATGGCCTAGCTGTGGAAAAAAGAAAATTCAAATAAACTCTTTCCAAATTA-3'
Protein context (NP_056087.2, residues 1-15): MSGP[Thr5Ala]DETAGDLPVK